The following is an entry in ClinVar:

NM_005529.7(HSPG2):c.10061G>A (p.Arg3354His)

Gene: HSPG2 (heparan sulfate proteoglycan 2; minus strand). Cytogenetic location: 1p36.12.
Variant type: single nucleotide variant.
Coding change: c.10061G>A on transcript NM_005529.7 (MANE Select); coding-DNA position 10061, G replaced by A.
Protein change: p.Arg3354His; replaces arginine 3354 with histidine.
Molecular consequence: missense variant.
Genome position (GRCh38, 1-based): chr1:21,838,914, C>T on the plus strand (G>A on the coding strand, the complement: HSPG2 is on the minus strand). VCF-style: chr1-21838914-C-T. GRCh37 (hg19) VCF-style: chr1-22165407-C-T.
Other names: c.10064G>A, p.Arg3355His (NM_001291860.2); short protein forms R3354H, R3355H.
Identifiers: ClinVar variation 295747 (VCV000295747.9), dbSNP rs776453694, ClinGen allele CA670241.

ClinVar aggregate classification (germline): Uncertain significance. Review status: criteria provided, multiple submitters, no conflicts (2 of 4 stars). 4 submissions from 3 submitters: Uncertain significance (4). Last evaluated 2021-07-08.

Conditions:
Schwartz-Jampel syndrome type 1 (SJS1). Also called: MYOTONIC MYOPATHY, DWARFISM, CHONDRODYSTROPHY, AND OCULAR AND FACIAL ABNORMALITIES; CHONDRODYSTROPHIC MYOTONIA. Identifiers: MedGen C4551479, MONDO:0100435, OMIM 255800.
Inborn genetic diseases. Identifiers: MedGen C0950123, MeSH D030342.
Lethal Kniest-like syndrome (DDSH). Also called: Dyssegmental Dysplasia. Identifiers: Orphanet 1865, MedGen C1857100, MONDO:0009140, OMIM 224410.
Schwartz-Jampel syndrome. Also called: Myotonic myopathy dwarfism chondrodystrophy and ocular and facial abnormalities. Identifiers: Orphanet 800, MedGen C0036391, MONDO:0009717.

Allele frequency attached by ClinVar (database versions not stated): gnomAD 0.00003; TOPMed 0.00004.
gnomAD v4.1: 131 of 1,612,016 alleles (0.0081%); highest among the groups gnomAD compares: South Asian, 0.093%; 2 homozygotes.

Submissions (4):

Ambry Genetics
Classification: Uncertain significance for Inborn genetic diseases. Last evaluated: 2021-07-08. Review status: criteria provided, single submitter. Criteria: Ambry Variant Classification Scheme 2023. Collection method: clinical testing. Allele origin: germline.

Victorian Clinical Genetics Services, Murdoch Childrens Research Institute
Classification: Uncertain significance for Schwartz-Jampel syndrome type 1. Last evaluated: 2020-05-26. Review status: criteria provided, single submitter. Criteria: ACMG Guidelines, 2015. Collection method: clinical testing. Allele origin: germline. Inheritance: Autosomal recessive inheritance. Affected: yes.
Comment: Based on the classification scheme VCGS_Germline_v1.1.1, this variant is classified as VUS – 3C. Following criteria are met: 0102 - Loss-of-function is a known mechanism of disease for this gene. (N) 0106 - This gene is known to be associated with autosomal recessive disease. (N) 0200 - Variant is predicted to result in a missense amino acid change from arginine to histidine (exon 74). (N) 0251 - Variant is heterozygous. (N) 0304 - Variant is present in gnomAD <0.01 for a recessive condition (38 heterozygotes, 1 homozygotes). (P) 0309 - An alternative amino acid change at the same position has been observed in gnomAD (6 heterozygotes, 0 homozygotes). (N) 0503 - Missense variant consistently predicted to be tolerated or not conserved in mammals with a minor amino acid change. (B) 0504 - Same amino acid change has been observed in mammals. (B) 0600 - Variant is located in an annotated domain or motif, (Immunoglobulin I-set domain; PDB, NCBI). (N) 0705 - No comparable variants have previous evidence for pathogenicity. (N) 0804 - Variant has previously been described as a variant of uncertain significance (ClinVar). (N) 0905 - No segregation evidence has been identified for this variant. (N) 1007 - No published functional evidence has been identified for this variant. (N) 1208 - Inheritance information for this variant is not currently available. (N) Legend: (P) - Pathogenic, (N) - Neutral, (B) - Benign

Illumina Laboratory Services, Illumina
Classification: Uncertain significance for Schwartz-Jampel syndrome type 1. Last evaluated: 2018-01-12. Review status: criteria provided, single submitter. Criteria: ICSL Variant Classification Criteria 13 December 2019. Collection method: clinical testing. Allele origin: germline.

Illumina Laboratory Services, Illumina
Classification: Uncertain significance for Lethal Kniest-like syndrome. Last evaluated: 2018-01-12. Review status: criteria provided, single submitter. Criteria: ICSL Variant Classification Criteria 13 December 2019. Collection method: clinical testing. Allele origin: germline.